The following is an entry in ClinVar:

ClinVar aggregate classification (germline): Conflicting classifications of pathogenicity. Review status: criteria provided, conflicting classifications (1 of 4 stars). 3 submissions from 3 submitters: Uncertain significance (2); Likely benign (1). Last evaluated 2025-04-30.

Allele frequency attached by ClinVar (database versions not stated): gnomAD 0.00016 and 0.00015; gnomAD exomes 0.00018 and 0.00014; 1000 Genomes Project 0.00020; ESP Exome Variant Server 0.00031; ExAC 0.00014; TOPMed 0.00014; 1000 Genomes Project 30x 0.00016.
gnomAD v4.1: 282 of 1,604,084 alleles (0.018%); highest among the groups gnomAD compares: Non-Finnish European, 0.023%; no homozygotes.

Submissions (3):

Labcorp Genetics (formerly Invitae), Labcorp
Classification: Uncertain significance. Last evaluated: 2025-04-30. Review status: criteria provided, single submitter. Criteria: Invitae Variant Classification Sherloc (09022015). Collection method: clinical testing. Allele origin: germline.
Comment: This sequence change replaces asparagine, which is neutral and polar, with serine, which is neutral and polar, at codon 317 of the TCF12 protein (p.Asn317Ser). This variant is present in population databases (rs146447299, gnomAD 0.03%). This variant has not been reported in the literature in individuals affected with TCF12-related conditions. ClinVar contains an entry for this variant (Variation ID: 916306). Invitae Evidence Modeling of protein sequence and biophysical properties (such as structural, functional, and spatial information, amino acid conservation, physicochemical variation, residue mobility, and thermodynamic stability) indicates that this missense variant is not expected to disrupt TCF12 protein function with a negative predictive value of 80%. In summary, the available evidence is currently insufficient to determine the role of this variant in disease. Therefore, it has been classified as a Variant of Uncertain Significance.

Laboratory of Genetics, Children's Clinical University Hospital Latvia
Classification: Likely benign. Last evaluated: 2025-02-16. Review status: criteria provided, single submitter. Criteria: ACMG Guidelines, 2015. Collection method: clinical testing. Allele origin: germline. Affected: yes.

CeGaT Center for Human Genetics Tuebingen
Classification: Uncertain significance. Last evaluated: 2020-02-01. Review status: criteria provided, single submitter. Criteria: CeGaT Center For Human Genetics Tuebingen Variant Classification Criteria Version 2. Collection method: clinical testing. Allele origin: germline. Affected: yes. Observed: 2 variant alleles.

NM_207037.2(TCF12):c.950A>G (p.Asn317Ser)

Gene: TCF12 (transcription factor 12; plus strand). Cytogenetic location: 15q21.3.
Variant type: single nucleotide variant.
Coding change: c.950A>G on transcript NM_207037.2 (MANE Select); coding-DNA position 950, A replaced by G.
Protein change: p.Asn317Ser; replaces asparagine 317 with serine.
Molecular consequence: missense variant.
Genome position (GRCh38, 1-based): chr15:57,232,836, A>G. VCF-style: chr15-57232836-A-G. GRCh37 (hg19) VCF-style: chr15-57525034-A-G.
Other names: c.440A>G, p.Asn147Ser (NM_001306219.3, NM_207040.2); c.242A>G, p.Asn81Ser (NM_001306220.3); c.950A>G, p.Asn317Ser (NM_001322151.2, NM_001322152.2, NM_001322157.3 and 7 more transcripts); c.293A>G, p.Asn98Ser (NM_001322154.2); c.776A>G, p.Asn259Ser (NM_001322156.2, NM_001322158.2); c.986A>G, p.Asn329Ser (NM_001322164.2); short protein forms N81S, N147S, N317S, N259S, N329S, N98S.
Identifiers: ClinVar variation 916306 (VCV000916306.45), dbSNP rs146447299, ClinGen allele CA7581068.